The following is an entry in ClinVar:

NM_001024630.4(RUNX2):c.213_214insCAATAGCAGCAGCAGCAGCAG (p.Glu72delinsGlnTer)

Genes: RUNX2 (RUNX family transcription factor 2; plus strand), LOC109611589 (runt related transcription factor 2 polyalanine expansion region; plus strand). Cytogenetic location: 6p21.1.
Variant type: Microsatellite.
Coding change: c.213_214insCAATAGCAGCAGCAGCAGCAG on transcript NM_001024630.4 (MANE Select); coding-DNA positions 213 to 214, CAATAGCAGCAGCAGCAGCAG inserted.
Protein change: p.Glu72delinsGlnTer.
Molecular consequence: nonsense.
Genome position: GRCh38 VCF-style: chr6-45422730-C-CAGCAGCAGCAGCAGCAGCAAT. GRCh37 (hg19) VCF-style: chr6-45390467-C-CAGCAGCAGCAGCAGCAGCAAT.
Other names: c.213_214insCAATAGCAGCAGCAGCAGCAG, p.Glu72delinsGlnTer (NM_001015051.4); c.171_172insCAATAGCAGCAGCAGCAGCAG, p.Glu58delinsGlnTer (NM_001278478.2, NM_001369405.1).
Identifiers: ClinVar variation 4713411 (VCV004713411.1).

ClinVar aggregate classification (germline): Pathogenic (1 of 4 stars; one submission).

Submission:

Labcorp Genetics (formerly Invitae), Labcorp
Classification: Pathogenic. Last evaluated: 2025-04-29. Review status: criteria provided, single submitter. Criteria: Invitae Variant Classification Sherloc (09022015). Collection method: clinical testing. Allele origin: germline.
Comment: This sequence change creates a premature translational stop signal (p.Gln71_Glu72insGln*) in the RUNX2 gene. It is expected to result in an absent or disrupted protein product. Loss-of-function variants in RUNX2 are known to be pathogenic (PMID: 10521292, 11857736). This variant is not present in population databases (gnomAD no frequency). This variant has not been reported in the literature in individuals affected with RUNX2-related conditions. For these reasons, this variant has been classified as Pathogenic.

Literature cited by the submitters: PubMed 10521292; PubMed 11857736.